The following is an entry in ClinVar:

NM_001270508.2(TNFAIP3):c.1385C>T (p.Pro462Leu)

Gene: TNFAIP3 (TNF alpha induced protein 3; plus strand). Cytogenetic location: 6q23.3.
Variant type: single nucleotide variant.
Coding change: c.1385C>T on transcript NM_001270508.2 (MANE Select); coding-DNA position 1385, C replaced by T.
Protein change: p.Pro462Leu; replaces proline 462 with leucine.
Molecular consequence: missense variant.
Genome position (GRCh38, 1-based): chr6:137,878,830, C>T. VCF-style: chr6-137878830-C-T. GRCh37 (hg19) VCF-style: chr6-138199967-C-T.
Other names: c.1385C>T, p.Pro462Leu (NM_001270507.2, NM_006290.4); short protein forms P462L.
Identifiers: ClinVar variation 3617103 (VCV003617103.2).

ClinVar aggregate classification (germline): Uncertain significance (1 of 4 stars; one submission).

gnomAD v4.1: 6 of 1,614,084 alleles (0.00037%); highest among the groups gnomAD compares: East Asian, 0.0022%; no homozygotes.

Submission:

Labcorp Genetics (formerly Invitae), Labcorp
Classification: Uncertain significance. Last evaluated: 2025-10-23. Review status: criteria provided, single submitter. Criteria: Invitae Variant Classification Sherloc (09022015). Collection method: clinical testing. Allele origin: germline.
Comment: This sequence change replaces proline, which is neutral and non-polar, with leucine, which is neutral and non-polar, at codon 462 of the TNFAIP3 protein (p.Pro462Leu). This variant is present in population databases (no rsID available, gnomAD 0.007%). This variant has not been reported in the literature in individuals affected with TNFAIP3-related conditions. ClinVar contains an entry for this variant (Variation ID: 3617103). Invitae Evidence Modeling of protein sequence and biophysical properties (such as structural, functional, and spatial information, amino acid conservation, physicochemical variation, residue mobility, and thermodynamic stability) has been performed for this missense variant. However, the output from this modeling did not meet the statistical confidence thresholds required to predict the impact of this variant on TNFAIP3 protein function. In summary, the available evidence is currently insufficient to determine the role of this variant in disease. Therefore, it has been classified as a Variant of Uncertain Significance.